The following is an entry in ClinVar:

ClinVar aggregate classification (germline): Uncertain significance (1 of 4 stars; one submission).

Submission:

GeneDx
Classification: Uncertain significance. Last evaluated: 2024-01-26. Review status: criteria provided, single submitter. Criteria: GeneDx Variant Classification Process June 2021. Collection method: clinical testing. Allele origin: germline. Affected: yes.
Comment: Not observed at significant frequency in large population cohorts (gnomAD); In silico analysis supports that this missense variant has a deleterious effect on protein structure/function; Has not been previously published as pathogenic or benign to our knowledge

NM_006978.3(RNF113A):c.437G>A (p.Gly146Asp)

Gene: RNF113A (ring finger protein 113A; minus strand). Cytogenetic location: Xq24.
Variant type: single nucleotide variant.
Coding change: c.437G>A on transcript NM_006978.3 (MANE Select); coding-DNA position 437, G replaced by A.
Protein change: p.Gly146Asp; replaces glycine 146 with aspartic acid.
Molecular consequence: missense variant.
Genome position (GRCh38, 1-based): chrX:119,871,177, C>T on the plus strand (G>A on the coding strand, the complement: RNF113A is on the minus strand). VCF-style: chrX-119871177-C-T. GRCh37 (hg19) VCF-style: chrX-119005140-C-T.
Other names: short protein forms G146D.
Identifiers: ClinVar variation 3368440 (VCV003368440.1).
Genomic context (GRCh38, chrX:119,871,177, plus strand): 5'-TTGGGCTTCATGTATTTCTGATAATTGTTGATTCCCCGATAGATCTTGTCATCCTCCTTG[C>T]CCCTCAGCTCCTCCTGGATCTTCTGGCTGCGCTCAAAGATGGCTTGTGCATCGCGCTCTT-3'
Protein context (NP_008909.1, residues 136-156): RSQKIQEELR[Gly146Asp]KEDDKIYRGI